The following is an entry in ClinVar:

ClinVar aggregate classification (germline): Uncertain significance. Review status: criteria provided, multiple submitters, no conflicts (2 of 4 stars). 2 submissions from 2 submitters: Uncertain significance (2). Last evaluated 2024-07-29.

Conditions:
Hereditary cancer-predisposing syndrome. Also called: Neoplastic Syndromes, Hereditary; Tumor predisposition; Hereditary neoplastic syndrome; Hereditary Cancer Syndrome. Identifiers: Orphanet 140162, MedGen C0027672, MeSH D009386, MONDO:0015356.

Submissions (2):

Ambry Genetics
Classification: Uncertain significance for Hereditary cancer-predisposing syndrome. Last evaluated: 2024-07-29. Review status: criteria provided, single submitter. Criteria: Ambry Variant Classification Scheme 2023. Collection method: clinical testing. Allele origin: germline.
Comment: The p.H1534Y variant (also known as c.4600C>T), located in coding exon 36 of the POLE gene, results from a C to T substitution at nucleotide position 4600. The histidine at codon 1534 is replaced by tyrosine, an amino acid with similar properties. This amino acid position is conserved. In addition, this alteration is predicted to be tolerated by in silico analysis. Based on the available evidence, the clinical significance of this variant remains unclear.

Labcorp Genetics (formerly Invitae), Labcorp
Classification: Uncertain significance. Last evaluated: 2022-01-27. Review status: criteria provided, single submitter. Criteria: Invitae Variant Classification Sherloc (09022015). Collection method: clinical testing. Allele origin: germline.
Comment: This sequence change replaces histidine, which is basic and polar, with tyrosine, which is neutral and polar, at codon 1534 of the POLE protein (p.His1534Tyr). This variant is not present in population databases (gnomAD no frequency). In summary, the available evidence is currently insufficient to determine the role of this variant in disease. Therefore, it has been classified as a Variant of Uncertain Significance. Algorithms developed to predict the effect of sequence changes on RNA splicing suggest that this variant may create or strengthen a splice site. Algorithms developed to predict the effect of missense changes on protein structure and function (SIFT, PolyPhen-2, Align-GVGD) all suggest that this variant is likely to be tolerated. ClinVar contains an entry for this variant (Variation ID: 661038). This variant has not been reported in the literature in individuals affected with POLE-related conditions.

NM_006231.4(POLE):c.4600C>T (p.His1534Tyr)

Gene: POLE (DNA polymerase epsilon, catalytic subunit; minus strand). Cytogenetic location: 12q24.33.
Variant type: single nucleotide variant.
Coding change: c.4600C>T on transcript NM_006231.4 (MANE Select); coding-DNA position 4600, C replaced by T.
Protein change: p.His1534Tyr; replaces histidine 1534 with tyrosine.
Molecular consequence: missense variant.
Genome position (GRCh38, 1-based): chr12:132,642,948, G>A on the plus strand (C>T on the coding strand, the complement: POLE is on the minus strand). VCF-style: chr12-132642948-G-A. GRCh37 (hg19) VCF-style: chr12-133219534-G-A.
Other names: c.4600C>T (NM_006231.2); short protein forms H1534Y.
Identifiers: ClinVar variation 661038 (VCV000661038.9), dbSNP rs1593732620, ClinGen allele CA387379214.